The following is an entry in ClinVar:

ClinVar aggregate classification (germline): Uncertain significance (1 of 4 stars; one submission).

Submission:

Women's Health and Genetics/Laboratory Corporation of America, LabCorp
Classification: Uncertain significance. Last evaluated: 2025-11-17. Review status: criteria provided, single submitter. Criteria: LabCorp Variant Classification Summary - May 2015. Collection method: clinical testing. Allele origin: germline.
Comment: Variant summary: TYRP1 c.340C>T (p.Arg114Cys) results in a non-conservative amino acid change in the encoded protein sequence. Algorithms developed to predict the effect of missense changes on protein structure and function are either unavailable or do not agree on the potential impact of this missense change. The variant allele was found at a frequency of 1.2e-05 in 250222 control chromosomes. The available data on variant occurrences in the general population are insufficient to allow any conclusion about variant significance. c.340C>T has been observed in at least one individual affected with Oculocutaneous albinism (Lasseaux_2018). These data do not allow any conclusion about variant significance. To our knowledge, no experimental evidence demonstrating an impact on protein function has been reported. The following publication has been ascertained in the context of this evaluation (PMID: 29345414). No submitters have cited clinical-significance assessments for this variant to ClinVar. Based on the evidence outlined above, the variant was classified as uncertain significance.

Literature cited by the submitters: PubMed 29345414.

NM_000550.3(TYRP1):c.340C>T (p.Arg114Cys)

Gene: TYRP1 (tyrosinase related protein 1; plus strand). Cytogenetic location: 9p23.
Variant type: single nucleotide variant.
Coding change: c.340C>T on transcript NM_000550.3 (MANE Select); coding-DNA position 340, C replaced by T.
Protein change: p.Arg114Cys; replaces arginine 114 with cysteine.
Molecular consequence: missense variant.
Genome position (GRCh38, 1-based): chr9:12,694,336, C>T. VCF-style: chr9-12694336-C-T. GRCh37 (hg19) VCF-style: chr9-12694336-C-T.
Other names: short protein forms R114C.
Identifiers: ClinVar variation 4536638 (VCV004536638.1).